The following is an entry in ClinVar:

NM_001848.3(COL6A1):c.2820G>A (p.Leu940=)

Gene: COL6A1 (collagen type VI alpha 1 chain; plus strand). Cytogenetic location: 21q22.3.
Variant type: single nucleotide variant.
Coding change: c.2820G>A on transcript NM_001848.3 (MANE Select); coding-DNA position 2820, G replaced by A.
Protein change: p.Leu940=; no amino-acid change (leucine 940 retained).
Molecular consequence: synonymous variant.
Genome position (GRCh38, 1-based): chr21:46,003,746, G>A. VCF-style: chr21-46003746-G-A. GRCh37 (hg19) VCF-style: chr21-47423660-G-A.
Identifiers: ClinVar variation 476432 (VCV000476432.40), dbSNP rs111451684, ClinGen allele CA10071042.

ClinVar aggregate classification (germline): Conflicting classifications of pathogenicity. Review status: criteria provided, conflicting classifications (1 of 4 stars). 4 submissions from 4 submitters: Uncertain significance (1); Likely benign (2). 1 of the submissions does not count toward it. Last evaluated 2026-02-02.

Conditions:
Bethlem myopathy 1A. Also called: MYOPATHY, BENIGN CONGENITAL, WITH CONTRACTURES; Bethlem myopathy 1; Bethlem Muscular Dystrophy. Identifiers: Orphanet 610, MedGen CN029274, MONDO:0024530, OMIM 158810.
COL6A1-related disorder. Also called: COL6A1-related condition.

Allele frequency attached by ClinVar (database versions not stated): TOPMed 0.00040; 1000 Genomes Project 0.00060; 1000 Genomes Project 30x 0.00062; gnomAD exomes 0.00013; ExAC 0.00019; ESP Exome Variant Server 0.00038.
gnomAD v4.1: 149 of 1,612,886 alleles (0.0092%); highest among the groups gnomAD compares: African/African-American, 0.14%; no homozygotes.

Submissions (4):

Labcorp Genetics (formerly Invitae), Labcorp
Classification: Likely benign for Bethlem myopathy 1A. Last evaluated: 2026-02-02. Review status: criteria provided, single submitter. Criteria: Invitae Variant Classification Sherloc (09022015). Collection method: clinical testing. Allele origin: germline.

CeGaT Center for Human Genetics Tuebingen
Classification: Likely benign. Last evaluated: 2022-07-01. Review status: criteria provided, single submitter. Criteria: CeGaT Center For Human Genetics Tuebingen Variant Classification Criteria Version 2. Collection method: clinical testing. Allele origin: germline. Affected: yes. Observed: 1 variant allele.
Comment: COL6A1: BP4, BP7

Eurofins Ntd Llc (ga)
Classification: Uncertain significance. Last evaluated: 2017-06-02. Review status: criteria provided, single submitter. Criteria: EGL Classification Definitions 2015. Collection method: clinical testing. Allele origin: germline. Observed: 1 variant allele, 1 heterozygote.

PreventionGenetics, part of Exact Sciences
Classification: Likely benign for COL6A1-related condition. Last evaluated: 2021-08-19. Review status: no assertion criteria provided. Collection method: clinical testing. Allele origin: germline. Not counted in ClinVar's aggregate classification.
Comment: This variant is classified as likely benign based on ACMG/AMP sequence variant interpretation guidelines (Richards et al. 2015 PMID: 25741868, with internal and published modifications).